The following is an entry in ClinVar:

ClinVar aggregate classification (germline): Uncertain significance. Review status: criteria provided, multiple submitters, no conflicts (2 of 4 stars). 2 submissions from 2 submitters: Uncertain significance (2). Last evaluated 2025-09-12.

Conditions:
Hereditary cancer-predisposing syndrome. Also called: Hereditary neoplastic syndrome; Neoplastic Syndromes, Hereditary; Tumor predisposition; Hereditary Cancer Syndrome. Identifiers: Orphanet 140162, MedGen C0027672, MeSH D009386, MONDO:0015356.
Haddad syndrome (OHD). Also called: Ondine-Hirschsprung disease. Identifiers: Orphanet 99803, MedGen C1859049, MONDO:0020493.

Allele frequency attached by ClinVar (database versions not stated): gnomAD 0.00001; TOPMed 0.00001.

Submissions (2):

Ambry Genetics
Classification: Uncertain significance for Hereditary cancer-predisposing syndrome. Last evaluated: 2025-09-12. Review status: criteria provided, single submitter. Criteria: Ambry Variant Classification Scheme 2023. Collection method: clinical testing. Allele origin: germline.
Comment: The p.Y30F variant (also known as c.89A>T), located in coding exon 1 of the PHOX2B gene, results from an A to T substitution at nucleotide position 89. The tyrosine at codon 30 is replaced by phenylalanine, an amino acid with highly similar properties. This amino acid position is highly conserved in available vertebrate species. In addition, the in silico prediction for this alteration is inconclusive. Based on the available evidence, the clinical significance of this variant remains unclear.

Labcorp Genetics (formerly Invitae), Labcorp
Classification: Uncertain significance for Haddad syndrome. Last evaluated: 2023-03-11. Review status: criteria provided, single submitter. Criteria: Invitae Variant Classification Sherloc (09022015). Collection method: clinical testing. Allele origin: germline.
Comment: This variant has not been reported in the literature in individuals affected with PHOX2B-related conditions. This sequence change replaces tyrosine, which is neutral and polar, with phenylalanine, which is neutral and non-polar, at codon 30 of the PHOX2B protein (p.Tyr30Phe). This variant is not present in population databases (gnomAD no frequency). ClinVar contains an entry for this variant (Variation ID: 1510590). An algorithm developed to predict the effect of missense changes on protein structure and function (PolyPhen-2) suggests that this variant is likely to be disruptive. In summary, the available evidence is currently insufficient to determine the role of this variant in disease. Therefore, it has been classified as a Variant of Uncertain Significance.

NM_003924.4(PHOX2B):c.89A>T (p.Tyr30Phe)

Genes: PHOX2B (paired like homeobox 2B; minus strand), PHOX2B-AS1 (PHOX2B antisense RNA 1; plus strand). Cytogenetic location: 4p13.
Variant type: single nucleotide variant.
Coding change: c.89A>T on transcript NM_003924.4 (MANE Select); coding-DNA position 89, A replaced by T.
Protein change: p.Tyr30Phe; replaces tyrosine 30 with phenylalanine.
Molecular consequence: missense variant.
Genome position (GRCh38, 1-based): chr4:41,748,522, T>A on the plus strand (A>T on the coding strand, the complement: PHOX2B is on the minus strand). VCF-style: chr4-41748522-T-A. GRCh37 (hg19) VCF-style: chr4-41750539-T-A.
Other names: short protein forms Y30F.
Identifiers: ClinVar variation 1510590 (VCV001510590.9), dbSNP rs1449660830, ClinGen allele CA356741115.